The following is an entry in ClinVar:

NM_000400.4(ERCC2):c.2173G>C (p.Ala725Pro)

Gene: ERCC2 (ERCC excision repair 2, TFIIH core complex helicase subunit; minus strand). Cytogenetic location: 19q13.32.
Variant type: single nucleotide variant.
Coding change: c.2173G>C on transcript NM_000400.4 (MANE Select); coding-DNA position 2173, G replaced by C.
Protein change: p.Ala725Pro; replaces alanine 725 with proline.
Molecular consequence: missense variant.
Genome position (GRCh38, 1-based): chr19:45,352,226, C>G on the plus strand (G>C on the coding strand, the complement: ERCC2 is on the minus strand). VCF-style: chr19-45352226-C-G. GRCh37 (hg19) VCF-style: chr19-45855484-C-G.
Other names: c.2173G>C (NM_000400.3); short protein forms A725P.
Identifiers: ClinVar variation 16781 (VCV000016781.15), dbSNP rs121913018, ClinGen allele CA126881.

ClinVar aggregate classification (germline): Pathogenic/Likely pathogenic. Review status: criteria provided, multiple submitters, no conflicts (2 of 4 stars). 8 submissions from 8 submitters: Pathogenic (3); Likely pathogenic (4). 1 of the submissions does not count toward it. Last evaluated 2026-03-30.

Conditions:
Inborn genetic diseases. Identifiers: MedGen C0950123, MeSH D030342.
ERCC2-related disorder. Also called: ERCC2-related disorders; ERCC2-related conditions; ERCC2-related condition. Identifiers: MedGen CN239291.
Xeroderma pigmentosum, group D (XPD). Also called: XERODERMA PIGMENTOSUM, COMPLEMENTATION GROUP D; XERODERMA PIGMENTOSUM IV; XP, GROUP D; XP, GROUP H; ERCC2-Related Xeroderma Pigmentosum. Identifiers: MedGen C0268138, MONDO:0010212, OMIM 278730.
Cerebrooculofacioskeletal syndrome 2 (COFS2). Identifiers: MedGen C1853102, MONDO:0012553, OMIM 610756.
Trichothiodystrophy 1, photosensitive (TTD1). Also called: TAY SYNDROME; TRICHOTHIODYSTROPHY WITH CONGENITAL ICHTHYOSIS; PIBIDS SYNDROME. Identifiers: Orphanet 33364, MedGen C1866504, MONDO:0011125, OMIM 601675.
Xeroderma pigmentosum (XP). Identifiers: Orphanet 910, MedGen C0043346, MONDO:0019600.

Allele frequency attached by ClinVar (database versions not stated): ExAC 0.00003; gnomAD exomes 0.00002; TOPMed 0.00002; gnomAD 0.00004.
gnomAD v4.1: 41 of 1,613,832 alleles (0.0025%); highest among the groups gnomAD compares: Non-Finnish European, 0.0035%; no homozygotes.

Submissions (8):

PreventionGenetics, part of Exact Sciences
Classification: Likely pathogenic for ERCC2-related condition. Last evaluated: 2026-03-30. Review status: criteria provided, single submitter. Criteria: ACMG Guidelines, 2015. Collection method: clinical testing. Allele origin: germline.
Comment: The ERCC2 c.2173G>C variant is predicted to result in the amino acid substitution p.Ala725Pro. This variant has been reported in the compound heterozygous state in individuals with trichothiodystrophy or xeroderma pigmentosum group D (XPD) (Takayama et al. 1997. PubMed ID: 9195225; Zhou et al. 2013. PubMed ID: 23232694; Kralund et al. 2013. PubMed ID: 25002996). In vivo and in vitro studies have shown that this variant results in increased UV sensitivity (Kralund et al. 2013. PubMed ID: 25002996). Alternative missense substitutions at the same amino acid position (p.Ala725Thr and p.Ala725Val) have also been reported in the compound heterozygous state in individuals affected with ERCC2-related disorder(s) (Tamura et. 2012. PubMed ID: 22617342; Zhou et al. 2013. PubMed ID: 23232694; Brauns et al. 2016. PubMed ID: 26577220). The c.2173G>C (p.Ala725Pro) variant is reported in 0.0044% of alleles in individuals of European (non-Finnish) descent in gnomAD. This variant is interpreted as likely pathogenic.

GeneDx
Classification: Likely pathogenic. Last evaluated: 2026-03-25. Review status: criteria provided, single submitter. Criteria: GeneDx Variant Classification Process June 2021. Collection method: clinical testing. Allele origin: germline.
Comment: Patient fibroblasts harboring A725P in trans with the L461V;A717G complex allele showed reduced nucleotide excision repair and reduced survival upon UV radiation exposure (PMID: 9195225); In silico analysis supports that this missense variant has a deleterious effect on protein structure/function; This variant is associated with the following publications: (PMID: 12488584, 26945533, 11335038, 25002996, 9195225, 11182546, 22234153, 10447254, 23232694, 33726816, 24514865, 35988656)

Labcorp Genetics (formerly Invitae), Labcorp
Classification: Pathogenic. Last evaluated: 2026-01-16. Review status: criteria provided, single submitter. Criteria: Invitae Variant Classification Sherloc (09022015). Collection method: clinical testing. Allele origin: germline.
Comment: This sequence change replaces alanine, which is neutral and non-polar, with proline, which is neutral and non-polar, at codon 725 of the ERCC2 protein (p.Ala725Pro). This variant is present in population databases (rs121913018, gnomAD 0.004%). This missense change has been observed in individual(s) with trichothiodystrophy or clinical features of both xeroderma pigmentosum and trichothiodystrophy (PMID: 9195225, 23232694, 25002996). In at least one individual the data is consistent with being in trans (on the opposite chromosome) from a pathogenic variant. ClinVar contains an entry for this variant (Variation ID: 16781). Invitae Evidence Modeling of protein sequence and biophysical properties (such as structural, functional, and spatial information, amino acid conservation, physicochemical variation, residue mobility, and thermodynamic stability) indicates that this missense variant is expected to disrupt ERCC2 protein function with a positive predictive value of 80%. This variant disrupts the p.Ala725 amino acid residue in ERCC2. Other variant(s) that disrupt this residue have been observed in individuals with ERCC2-related conditions (PMID: 9195225, 23232694, 26577220), which suggests that this may be a clinically significant amino acid residue. For these reasons, this variant has been classified as Pathogenic.

Baylor Genetics
Classification: Likely pathogenic for Cerebrooculofacioskeletal syndrome 2. Last evaluated: 2024-03-28. Review status: criteria provided, single submitter. Criteria: ACMG Guidelines, 2015. Collection method: clinical testing. Allele origin: unknown.

Ambry Genetics
Classification: Pathogenic for Inborn genetic diseases. Last evaluated: 2023-06-22. Review status: criteria provided, single submitter. Criteria: Ambry Variant Classification Scheme 2023. Collection method: clinical testing. Allele origin: germline.
Comment: The c.2173G>C (p.A725P) alteration is located in exon 22 (coding exon 22) of the ERCC2 gene. This alteration results from a G to C substitution at nucleotide position 2173, causing the alanine (A) at amino acid position 725 to be replaced by a proline (P). Based on data from gnomAD, the C allele has an overall frequency of 0.002% (5/250876) total alleles studied. The highest observed frequency was 0.004% (5/113354) of European (non-Finnish) alleles. This variant has been reported in trans with a ECCR2 likely pathogenic/pathogenic variant in multiple individuals with clinical features of ERCC2-related spectrum disorders (Takayama, 1997; Zhou, 2013; External communication). This amino acid position is highly conserved in available vertebrate species. Based on internal structural analysis, A725P is moderately destabilizing to the local structure (5.75 kcal/mol). This alteration is predicted to be deleterious by in silico analysis. Based on the available evidence, this alteration is classified as pathogenic.

Women's Health and Genetics/Laboratory Corporation of America, LabCorp
Classification: Pathogenic for Xeroderma pigmentosum. Last evaluated: 2023-02-16. Review status: criteria provided, single submitter. Criteria: LabCorp Variant Classification Summary - May 2015. Collection method: clinical testing. Allele origin: germline.
Comment: Variant summary: ERCC2 c.2173G>C (p.Ala725Pro) results in a non-conservative amino acid change in the encoded protein sequence, altering a highly conserved residue (HGMD). Other missense variants has been found in association with trichothiodystrophy (p.A725T, p.A725V), one of which has been classified as likely pathogenic by a ClinVar submitter. Five of five in-silico tools predict a damaging effect of the variant on protein function. The variant allele was found at a frequency of 2e-05 in 250876 control chromosomes. c.2173G>C has been reported in the literature in several compound heterozygous individuals affected with Xeroderma Pigmentosum and trichothiodystrophy (Krauland_2013, Svendsen_2014, Takayama_1997, Zhou_2013). These data indicate that the variant is likely to be associated with disease. To our knowledge, no experimental evidence demonstrating an impact on protein function has been reported. Two submitters have provided clinical-significance assessments for this variant to ClinVar after 2014, and both classified the variant as pathogenic/likely pathogenic. Based on the evidence outlined above, the variant was classified as pathogenic.

Fulgent Genetics
Classification: Likely pathogenic for Xeroderma pigmentosum, group D; Trichothiodystrophy 1, photosensitive; Cerebrooculofacioskeletal syndrome 2. Last evaluated: 2022-04-13. Review status: criteria provided, single submitter. Criteria: ACMG Guidelines, 2015. Collection method: clinical testing. Allele origin: unknown.

OMIM
Classification: Pathogenic for TRICHOTHIODYSTROPHY 1, PHOTOSENSITIVE. Last evaluated: 1997-01-01. Review status: no assertion criteria provided. Collection method: literature only. Allele origin: germline. Not counted in ClinVar's aggregate classification.

Literature cited by the submitters: PubMed 9195225 (cited by 4 submitters); PubMed 23232694 (cited by 3 submitters); PubMed 25002996 (cited by Labcorp Genetics (formerly Invitae), Labcorp and Women's Health and Genetics/Laboratory Corporation of America, LabCorp); PubMed 26577220 (cited by Labcorp Genetics (formerly Invitae), Labcorp); PubMed 24514865 (cited by Women's Health and Genetics/Laboratory Corporation of America, LabCorp).